The following is an entry in ClinVar:

ClinVar aggregate classification (germline): Uncertain significance (1 of 4 stars; one submission).

Allele frequency attached by ClinVar (database versions not stated): TOPMed 0.00001.

Submission:

Labcorp Genetics (formerly Invitae), Labcorp
Classification: Uncertain significance. Last evaluated: 2022-11-03. Review status: criteria provided, single submitter. Criteria: Invitae Variant Classification Sherloc (09022015). Collection method: clinical testing. Allele origin: germline.
Comment: This variant has not been reported in the literature in individuals affected with DDX3X-related conditions. This variant is not present in population databases (gnomAD no frequency). This sequence change replaces arginine, which is basic and polar, with serine, which is neutral and polar, at codon 621 of the DDX3X protein (p.Arg621Ser). In summary, the available evidence is currently insufficient to determine the role of this variant in disease. Therefore, it has been classified as a Variant of Uncertain Significance. Algorithms developed to predict the effect of missense changes on protein structure and function are either unavailable or do not agree on the potential impact of this missense change (SIFT: "Tolerated"; PolyPhen-2: "Not Available"; Align-GVGD: "Class C0").

NM_001356.5(DDX3X):c.1864C>A (p.Arg622Ser)

Gene: DDX3X (DEAD-box helicase 3 X-linked; plus strand). Cytogenetic location: Xp11.4.
Variant type: single nucleotide variant.
Coding change: c.1864C>A on transcript NM_001356.5 (MANE Select); coding-DNA position 1864, C replaced by A.
Protein change: p.Arg622Ser; replaces arginine 622 with serine.
Molecular consequence: missense variant. On other transcripts: non-coding transcript variant (1).
Genome position (GRCh38, 1-based): chrX:41,347,406, C>A. VCF-style: chrX-41347406-C-A. GRCh37 (hg19) VCF-style: chrX-41206659-C-A.
Other names: c.1861C>A, p.Arg621Ser (NM_001193416.3); c.1816C>A, p.Arg606Ser (NM_001193417.3); c.1303C>A, p.Arg435Ser (NM_001363819.1); short protein forms R435S, R606S, R621S, R622S.
Identifiers: ClinVar variation 1716560 (VCV001716560.5), dbSNP rs2063941047, ClinGen allele CA412779382.
Genomic context (GRCh38, chrX:41,347,406, plus strand): 5'-TACCGACAAAGTAGCGGTGCCAGCAGTTCCAGCTTCAGCAGCAGCCGCGCAAGCAGCAGC[C>A]GCAGTGGCGGAGGTGGCCACGGTAGCAGCAGAGGATTTGGTGGAGGTAGTGTTAATCTGT-3'
Protein context (NP_001347.3, residues 612-632): SFSSSRASSS[Arg622Ser]SGGGGHGSSR